The following is an entry in ClinVar:

NM_000452.3(SLC10A2):c.184A>G (p.Ile62Val)

Gene: SLC10A2 (solute carrier family 10 member 2; minus strand). Cytogenetic location: 13q33.1.
Variant type: single nucleotide variant.
Coding change: c.184A>G on transcript NM_000452.3 (MANE Select); coding-DNA position 184, A replaced by G.
Protein change: p.Ile62Val; replaces isoleucine 62 with valine.
Molecular consequence: missense variant.
Genome position (GRCh38, 1-based): chr13:103,066,066, T>C on the plus strand (A>G on the coding strand, the complement: SLC10A2 is on the minus strand). VCF-style: chr13-103066066-T-C. GRCh37 (hg19) VCF-style: chr13-103718416-T-C.
Other names: c.184A>G (NM_000452.2); short protein forms I62V.
Identifiers: ClinVar variation 2052941 (VCV002052941.5), dbSNP rs200511829, ClinGen allele CA7042319.

ClinVar aggregate classification (germline): Uncertain significance. Review status: criteria provided, multiple submitters, no conflicts (2 of 4 stars). 2 submissions from 2 submitters: Uncertain significance (2). Last evaluated 2025-09-26.

Allele frequency attached by ClinVar (database versions not stated): ExAC 0.00002; gnomAD 0.00007; gnomAD exomes 0.00007; ESP Exome Variant Server 0.00008; TOPMed 0.00008.

Submissions (3):

Labcorp Genetics (formerly Invitae), Labcorp
Classification: Uncertain significance. Last evaluated: 2025-09-26. Review status: criteria provided, single submitter. Criteria: Invitae Variant Classification Sherloc (09022015). Collection method: clinical testing. Allele origin: germline.
Comment: This sequence change replaces isoleucine, which is neutral and non-polar, with valine, which is neutral and non-polar, at codon 62 of the SLC10A2 protein (p.Ile62Val). This variant is present in population databases (rs200511829, gnomAD 0.004%). This variant has not been reported in the literature in individuals affected with SLC10A2-related conditions. ClinVar contains an entry for this variant (Variation ID: 2052941). Invitae Evidence Modeling of protein sequence and biophysical properties (such as structural, functional, and spatial information, amino acid conservation, physicochemical variation, residue mobility, and thermodynamic stability) indicates that this missense variant is not expected to disrupt SLC10A2 protein function with a negative predictive value of 80%. In summary, the available evidence is currently insufficient to determine the role of this variant in disease. Therefore, it has been classified as a Variant of Uncertain Significance.

Ambry Genetics
Classification: Uncertain significance. Last evaluated: 2024-09-09. Review status: criteria provided, single submitter. Criteria: Ambry Variant Classification Scheme 2023. Collection method: clinical testing. Allele origin: germline.

Dr. Peter K. Rogan Lab, Western University
No classification provided (evidence only). Condition: Cervical cancer. Review status: no classification provided. Collection method: in vitro. Allele origin: not applicable. Functional consequence: retained intron. Not counted in ClinVar's aggregate classification.